The following is an entry in ClinVar:

NM_006939.4(SOS2):c.1444A>C (p.Ser482Arg)

Gene: SOS2 (SOS Ras/Rho guanine nucleotide exchange factor 2; minus strand). Cytogenetic location: 14q21.3.
Variant type: single nucleotide variant.
Coding change: c.1444A>C on transcript NM_006939.4 (MANE Select); coding-DNA position 1444, A replaced by C.
Protein change: p.Ser482Arg; replaces serine 482 with arginine.
Molecular consequence: missense variant.
Genome position (GRCh38, 1-based): chr14:50,159,839, T>G on the plus strand (A>C on the coding strand, the complement: SOS2 is on the minus strand). VCF-style: chr14-50159839-T-G. GRCh37 (hg19) VCF-style: chr14-50626557-T-G.
Other names: c.1345A>C, p.Ser449Arg (NM_001411020.1); short protein forms S449R, S482R.
Identifiers: ClinVar variation 4797618 (VCV004797618.1).

ClinVar aggregate classification (germline): Uncertain significance (1 of 4 stars; one submission).

Conditions:
Noonan syndrome 9 (NS9). Identifiers: Orphanet 648, MedGen C4225282, MONDO:0014691, OMIM 616559.

gnomAD v4.1: 1 of 1,614,196 alleles (0.000062%); no homozygotes.

Submission:

Labcorp Genetics (formerly Invitae), Labcorp
Classification: Uncertain significance for Noonan syndrome 9. Last evaluated: 2025-12-15. Review status: criteria provided, single submitter. Criteria: Invitae Variant Classification Sherloc (09022015). Collection method: clinical testing. Allele origin: germline.
Comment: This sequence change replaces serine, which is neutral and polar, with arginine, which is basic and polar, at codon 482 of the SOS2 protein (p.Ser482Arg). This variant is not present in population databases (gnomAD no frequency). This variant has not been reported in the literature in individuals affected with SOS2-related conditions. Invitae Evidence Modeling of protein sequence and biophysical properties (such as structural, functional, and spatial information, amino acid conservation, physicochemical variation, residue mobility, and thermodynamic stability) indicates that this missense variant is not expected to disrupt SOS2 protein function with a negative predictive value of 95%. In summary, the available evidence is currently insufficient to determine the role of this variant in disease. Therefore, it has been classified as a Variant of Uncertain Significance.